The following is an entry in ClinVar:

NM_006922.4(SCN3A):c.1855G>A (p.Glu619Lys)

Gene: SCN3A (sodium voltage-gated channel alpha subunit 3; minus strand). Cytogenetic location: 2q24.3.
Variant type: single nucleotide variant.
Coding change: c.1855G>A on transcript NM_006922.4 (MANE Select); coding-DNA position 1855, G replaced by A.
Protein change: p.Glu619Lys; replaces glutamic acid 619 with lysine.
Molecular consequence: missense variant.
Genome position (GRCh38, 1-based): chr2:165,140,815, C>T on the plus strand (G>A on the coding strand, the complement: SCN3A is on the minus strand). VCF-style: chr2-165140815-C-T. GRCh37 (hg19) VCF-style: chr2-165997325-C-T.
Other names: c.1855G>A, p.Glu619Lys (NM_001081676.2, NM_001081677.2); short protein forms E619K.
Identifiers: ClinVar variation 426932 (VCV000426932.13), dbSNP rs577018955, ClinGen allele CA1939074.

ClinVar aggregate classification (germline): Conflicting classifications of pathogenicity. Review status: criteria provided, conflicting classifications (1 of 4 stars). 5 submissions from 5 submitters: Uncertain significance (3); Likely benign (2). Last evaluated 2026-05-15.

Allele frequency attached by ClinVar (database versions not stated): gnomAD exomes below 0.00001 and 0.00001; 1000 Genomes Project 30x 0.00031; ExAC 0.00001; gnomAD 0.00001; TOPMed 0.00002; 1000 Genomes Project 0.00020.
gnomAD v4.1: 9 of 1,614,146 alleles (0.00056%); highest among the groups gnomAD compares: African/African-American, 0.0027%; no homozygotes.

Submissions (5):

Women's Health and Genetics/Laboratory Corporation of America, LabCorp
Classification: Likely benign. Last evaluated: 2026-05-15. Review status: criteria provided, single submitter. Criteria: LabCorp Variant Classification Summary - May 2015. Collection method: clinical testing. Allele origin: germline.
Comment: Variant summary: SCN3A c.1855G>A (p.Glu619Lys) results in a conservative amino acid change in the encoded protein sequence. Algorithms developed to predict the effect of missense changes on protein structure and function are either unavailable or do not agree on the potential impact of this missense change. The variant allele was found at a frequency of 1.2e-05 in 251156 control chromosomes (gnomAD v2). A total of 9 heterozygotes of this variant was observed in the gnomAD v4 database. To our knowledge, no occurrence of c.1855G>A in individuals affected with SCN3A-related conditions and no experimental evidence demonstrating its impact on protein function have been reported. ClinVar contains an entry for this variant (Variation ID: 426932). Based on the evidence outlined above, the variant was classified as likely benign.

Labcorp Genetics (formerly Invitae), Labcorp
Classification: Likely benign. Last evaluated: 2025-08-11. Review status: criteria provided, single submitter. Criteria: Invitae Variant Classification Sherloc (09022015). Collection method: clinical testing. Allele origin: germline.

Revvity Omics, Revvity
Classification: Uncertain significance. Last evaluated: 2022-11-21. Review status: criteria provided, single submitter. Criteria: ACMG Guidelines, 2015. Collection method: clinical testing. Allele origin: germline.

Greenwood Genetic Center Diagnostic Laboratories, Greenwood Genetic Center
Classification: Uncertain significance. Last evaluated: 2022-01-27. Review status: criteria provided, single submitter. Criteria: ACMG Guidelines, 2015. Collection method: clinical testing. Allele origin: germline. Affected: yes.
Comment: PM2, PP2

GeneDx
Classification: Uncertain significance. Last evaluated: 2022-01-14. Review status: criteria provided, single submitter. Criteria: GeneDx Variant Classification Process June 2021. Collection method: clinical testing. Allele origin: germline. Affected: yes.
Comment: Not observed at significant frequency in large population cohorts (gnomAD); In silico analysis supports that this missense variant has a deleterious effect on protein structure/function; Has not been previously published as pathogenic or benign to our knowledge